The following is an entry in ClinVar:

ClinVar aggregate classification (germline): Uncertain significance (1 of 4 stars; one submission).

Conditions:
Ataxia-telangiectasia syndrome (AT). Also called: ATAXIA-TELANGIECTASIA, COMPLEMENTATION GROUP A; ATAXIA-TELANGIECTASIA, FRESNO VARIANT; Ataxia-telangiectasia; Ataxia-telangiectasia, complementation group D; AT, COMPLEMENTATION GROUP C; Ataxia-telangiectasia, complementation group E. Identifiers: Orphanet 100, MedGen C0004135, MONDO:0008840, OMIM 208900.

Submission:

Labcorp Genetics (formerly Invitae), Labcorp
Classification: Uncertain significance for Ataxia-telangiectasia syndrome. Last evaluated: 2017-12-20. Review status: criteria provided, single submitter. Criteria: Invitae Variant Classification Sherloc (09022015). Collection method: clinical testing. Allele origin: germline.
Comment: In summary, the available evidence is currently insufficient to determine the role of this variant in disease. Therefore, it has been classified as a Variant of Uncertain Significance. Experimental studies and prediction algorithms are not available for this variant, and the functional significance of the disrupted amino acids is currently unknown. This variant has not been reported in the literature in individuals with ATM-related disease. This variant is not present in population databases (ExAC no frequency). This variant, c.437_441delinsACAAT, is a complex sequence change that results in the replacement of 2 amino acids in the ATM protein (p.Leu146_Lys147delinsHisAsn).

NM_000051.4(ATM):c.437_441delinsACAAT (p.Leu146_Lys147delinsHisAsn)

Gene: ATM (ATM serine/threonine kinase; plus strand). Cytogenetic location: 11q22.3.
Variant type: Indel.
Coding change: c.437_441delinsACAAT on transcript NM_000051.4 (MANE Select); coding-DNA positions 437 to 441, TCAAA replaced by ACAAT.
Protein change: p.Leu146_Lys147delinsHisAsn.
Molecular consequence: missense variant.
Genome position (GRCh38, 1-based): chr11:108,235,775-108,235,779, TCAAA replaced by ACAAT. VCF-style: chr11-108235775-TCAAA-ACAAT. GRCh37 (hg19) VCF-style: chr11-108106502-TCAAA-ACAAT.
Other names: c.437_441delinsACAAT, p.Leu146_Lys147delinsHisAsn (NM_001351834.2).
Identifiers: ClinVar variation 524323 (VCV000524323.4), dbSNP rs1555059356, ClinGen allele CA658797776.
Genomic context (GRCh38, chr11:108,235,775, plus strand): 5'-ATACAGTGAAAGATTCATCTAATGGTGCTATTTACGGAGCTGATTGTAGCAACATACTAC[TCAAA>ACAAT]GACATTCTTTCTGTGAGAAAATACTGGTGTGAAATATCTCAGCAACAGTGGTTAGGTATG-3'